The following is an entry in ClinVar:

ClinVar aggregate classification (germline): Conflicting classifications of pathogenicity. Review status: criteria provided, conflicting classifications (1 of 4 stars). 2 submissions from 2 submitters: Uncertain significance (1); Likely benign (1). Last evaluated 2025-01-27.

Conditions:
Lynch syndrome 4 (LYNCH4). Also called: Hereditary non-polyposis colorectal cancer, type 4; Colorectal cancer, hereditary nonpolyposis, type 4. Identifiers: Orphanet 144, MedGen C1838333, MONDO:0013699, OMIM 614337. Disease mechanism: loss of function.
Hereditary nonpolyposis colorectal neoplasms. Identifiers: MedGen C0009405, MeSH D003123.

Submissions (2):

Myriad Genetics, Inc.
Classification: Likely benign for Lynch syndrome 4. Last evaluated: 2025-01-27. Review status: criteria provided, single submitter. Criteria: Myriad Autosomal Dominant, Autosomal Recessive and X-Linked Classification Criteria (2023). Collection method: clinical testing. Allele origin: unknown.
Comment: This variant is considered likely benign. This variant is intronic and is not expected to impact mRNA splicing.

Labcorp Genetics (formerly Invitae), Labcorp
Classification: Uncertain significance for Hereditary nonpolyposis colorectal neoplasms. Last evaluated: 2023-08-28. Review status: criteria provided, single submitter. Criteria: Invitae Variant Classification Sherloc (09022015). Collection method: clinical testing. Allele origin: germline.
Comment: This sequence change falls in intron 5 of the PMS2 gene. It does not directly change the encoded amino acid sequence of the PMS2 protein. This variant is not present in population databases (gnomAD no frequency). This variant has not been reported in the literature in individuals affected with PMS2-related conditions. Algorithms developed to predict the effect of sequence changes on RNA splicing suggest that this variant may disrupt the consensus splice site. In summary, the available evidence is currently insufficient to determine the role of this variant in disease. Therefore, it has been classified as a Variant of Uncertain Significance.

NM_000535.7(PMS2):c.538-14T>C

Gene: PMS2 (PMS1 homolog 2, mismatch repair system component; minus strand). Cytogenetic location: 7p22.1.
Variant type: single nucleotide variant.
Coding change: c.538-14T>C on transcript NM_000535.7 (MANE Select); 14 bases into the intron before coding-DNA position 538, T replaced by C.
Molecular consequence: intron variant.
Genome position (GRCh38, 1-based): chr7:5,999,289, A>G on the plus strand (T>C on the coding strand, the complement: PMS2 is on the minus strand). VCF-style: chr7-5999289-A-G. GRCh37 (hg19) VCF-style: chr7-6038920-A-G.
Other names: c.220-14T>C (NM_001322008.2, NM_001406902.1, NM_001406883.1 and 4 more transcripts); c.229-14T>C (NM_001406881.1, NM_001406879.1, NM_001322015.2 and 6 more transcripts); c.133-14T>C (NM_001406895.1, NM_001322010.2, NM_001322004.2 and 21 more transcripts); c.132+3164T>C (NM_001406911.1); c.133-1866T>C (NM_001322013.2, NM_001406909.1); c.-347-63T>C (NM_001322012.2, NM_001322011.2); c.251-63T>C (NM_001406885.1); c.537+3164T>C (NM_001406886.1); and 4 more.
Identifiers: ClinVar variation 2916214 (VCV002916214.4), dbSNP rs2128802538, ClinGen allele CA2713826134.